The following is an entry in ClinVar:

ClinVar aggregate classification (germline): Uncertain significance. Review status: criteria provided, multiple submitters, no conflicts (2 of 4 stars). 2 submissions from 2 submitters: Uncertain significance (2). Last evaluated 2025-07-22.

Allele frequency attached by ClinVar (database versions not stated): gnomAD exomes 0.00011; ExAC 0.00026; TOPMed 0.00002; gnomAD 0.00007; 1000 Genomes Project 30x 0.00016.
gnomAD v4.1: 170 of 1,601,626 alleles (0.011%); highest among the groups gnomAD compares: South Asian, 0.093%; no homozygotes.

Submissions (2):

Labcorp Genetics (formerly Invitae), Labcorp
Classification: Uncertain significance. Last evaluated: 2025-07-22. Review status: criteria provided, single submitter. Criteria: Invitae Variant Classification Sherloc (09022015). Collection method: clinical testing. Allele origin: germline.
Comment: This sequence change replaces arginine, which is basic and polar, with tryptophan, which is neutral and slightly polar, at codon 1507 of the MYH7B protein (p.Arg1507Trp). This variant is present in population databases (rs770198405, gnomAD 0.08%), and has an allele count higher than expected for a pathogenic variant. This variant has not been reported in the literature in individuals affected with MYH7B-related conditions. ClinVar contains an entry for this variant (Variation ID: 2517876). Invitae Evidence Modeling of protein sequence and biophysical properties (such as structural, functional, and spatial information, amino acid conservation, physicochemical variation, residue mobility, and thermodynamic stability) indicates that this missense variant is expected to disrupt MYH7B protein function with a positive predictive value of 80%. In summary, the available evidence is currently insufficient to determine the role of this variant in disease. Therefore, it has been classified as a Variant of Uncertain Significance.

Ambry Genetics
Classification: Uncertain significance. Last evaluated: 2023-06-12. Review status: criteria provided, single submitter. Criteria: Ambry Variant Classification Scheme 2023. Collection method: clinical testing. Allele origin: germline.

NM_020884.7(MYH7B):c.4393C>T (p.Arg1465Trp)

Gene: MYH7B (myosin heavy chain 7B; plus strand). Cytogenetic location: 20q11.22.
Variant type: single nucleotide variant.
Coding change: c.4393C>T on transcript NM_020884.7 (MANE Select); coding-DNA position 4393, C replaced by T.
Protein change: p.Arg1465Trp; replaces arginine 1465 with tryptophan.
Molecular consequence: missense variant.
Genome position (GRCh38, 1-based): chr20:34,999,258, C>T. VCF-style: chr20-34999258-C-T. GRCh37 (hg19) VCF-style: chr20-33587061-C-T.
Other names: short protein forms R1465W.
Identifiers: ClinVar variation 2517876 (VCV002517876.5), dbSNP rs770198405, ClinGen allele CA9828094.
Genomic context (GRCh38, chr20:34,999,258, plus strand): 5'-GCAGCTGCTGCGCTGGACAAGAAGCAGCGGCACTTGGAACGGGCACTGGAGGAACGGCGG[C>T]GGCAGGAGGAGGAGATGCAGCGGGAGCTGGAGGCGGCACAGAGGGAGTCCCGTGGCCTGG-3'
Protein context (NP_065935.4, residues 1455-1475): HLERALEERR[Arg1465Trp]QEEEMQRELE